The following is an entry in ClinVar:

ClinVar aggregate classification (germline): Pathogenic/Likely pathogenic. Review status: criteria provided, multiple submitters, no conflicts (2 of 4 stars). 4 submissions from 4 submitters: Pathogenic (1); Likely pathogenic (1). 2 of the submissions do not count toward it. Last evaluated 2025-07-15.

Conditions:
Warburg-cinotti syndrome. Identifiers: MedGen C5193019, MONDO:0032579, OMIM 618175.

Submissions (4):

GeneDx
Classification: Likely pathogenic. Last evaluated: 2025-07-15. Review status: criteria provided, single submitter. Criteria: GeneDx Variant Classification Process June 2021. Collection method: clinical testing. Allele origin: germline. Affected: yes.
Comment: Not observed at significant frequency in large population cohorts (gnomAD); In silico analysis supports that this missense variant has a deleterious effect on protein structure/function; This variant is associated with the following publications: (PMID: 30449416)

Victorian Clinical Genetics Services, Murdoch Childrens Research Institute
Classification: Pathogenic for Warburg-cinotti syndrome. Last evaluated: 2024-10-09. Review status: criteria provided, single submitter. Criteria: ACMG Guidelines, 2015. Collection method: clinical testing. Allele origin: germline. Inheritance: Autosomal dominant inheritance. Affected: yes.
Comment: Based on the classification scheme VCGS_Germline_v1.3.4, this variant is classified as Pathogenic. Following criteria are met: 0103 - Loss of function and gain of function are known mechanisms of disease in this gene and are associated with spondylometaepiphyseal dysplasia, short limb-hand type (MIM# 271665) and Warburg-Cinotti syndrome (MIM# 618175), respectively (PMID: 35221872, PMID 30449416). (I) 0108 - This gene is associated with both recessive and dominant disease. This gene is associated with autosomal recessive spondylometaepiphyseal dysplasia, short hand-limb type (MIM# 271665) and autosomal dominant Warburg-Cinotti syndrome (MIM# 618175). (I) 0200 - Variant is predicted to result in a missense amino acid change from leucine to proline. (I) 0251 - This variant is heterozygous. (I) 0301 - Variant is absent from gnomAD (both v2 and v3). (SP) 0501 - Missense variant consistently predicted to be damaging by multiple in silico tools or highly conserved with a major amino acid change. (SP) 0600 - Variant is located in the annotated tyrosine kinase domain (DECIPHER, PMID 30449416). (I) 0705 - No comparable missense variants have previous evidence for pathogenicity. (I) 0802 - This variant has moderate previous evidence of pathogenicity in unrelated individuals. This variant has been reported in three heterozygous individuals with Warburg-Cinotti syndrome (ClinVar, PMID: 30449416). (SP) 1001 - This variant has strong functional evidence supporting abnormal protein function. Functional studies using patient cells demonstrated increased phosphorylation of the DDR2 protein, indicating constitutive activation and autophosphorylation of the receptor (PMID: 30449416). (SP) Legend: (SP) - Supporting pathogenic, (I) - Information, (SB) - Supporting benign

OMIM
Classification: Pathogenic for WARBURG-CINOTTI SYNDROME. Last evaluated: 2019-02-13. Review status: no assertion criteria provided. Collection method: literature only. Allele origin: germline. Not counted in ClinVar's aggregate classification.

Center for Medical Genetics and Molecular Medicine, Haukeland University Hospital
Classification: Pathogenic for Warburg-Cinotti syndrome. Last evaluated: 2018-10-12. Review status: no assertion criteria provided. Collection method: clinical testing, in vitro. Allele origin: de novo, not applicable. Inheritance: Sporadic. Affected: yes. Observed: 1 heterozygote. Not counted in ClinVar's aggregate classification.
Comment: The Leu6109Pro variant has been found in two unrelated singleton individuals with a tendency to get keloid-like skin tumors, corneal neovascularization, liopdystrophy and acro-osteolysis.

Literature cited by the submitters: PubMed 30449416 (cited by Victorian Clinical Genetics Services, Murdoch Childrens Research Institute and OMIM); PubMed 35221872 (cited by Victorian Clinical Genetics Services, Murdoch Childrens Research Institute); PubMed 17103436 (cited by OMIM).

NM_006182.4(DDR2):c.1829T>C (p.Leu610Pro)

Gene: DDR2 (discoidin domain receptor tyrosine kinase 2; plus strand). Cytogenetic location: 1q23.3.
Variant type: single nucleotide variant.
Coding change: c.1829T>C on transcript NM_006182.4 (MANE Select); coding-DNA position 1829, T replaced by C.
Protein change: p.Leu610Pro; replaces leucine 610 with proline.
Molecular consequence: missense variant.
Genome position (GRCh38, 1-based): chr1:162,773,569, T>C. VCF-style: chr1-162773569-T-C. GRCh37 (hg19) VCF-style: chr1-162743359-T-C.
Other names: c.1829T>C, p.Leu610Pro (NM_001014796.3, NM_001354982.2, NM_001354983.2 and 1 more transcripts); c.1829T>C (NM_006182.3, NM_006182.2); short protein forms L610P.
Identifiers: ClinVar variation 587365 (VCV000587365.5), dbSNP rs1558079436, ClinGen allele CA343413110.
Genomic context (GRCh38, chr1:162,773,569, plus strand): 5'-ACAAAGATTTTGCCCTAGATGTCAGTGCCAACCAGCCTGTCCTGGTGGCTGTGAAAATGC[T>C]CCGAGCAGATGCCAACAAGAATGCCAGGTCTGTGGTCTACATTTTGAATTTTCCTTTAGG-3'
Protein context (NP_006173.2, residues 600-620): NQPVLVAVKM[Leu610Pro]RADANKNARN